The following is an entry in ClinVar:

ClinVar aggregate classification (germline): Uncertain significance. Review status: criteria provided, multiple submitters, no conflicts (2 of 4 stars). 2 submissions from 2 submitters: Uncertain significance (2). Last evaluated 2024-05-06.

Conditions:
Hereditary cancer-predisposing syndrome. Also called: Tumor predisposition; Hereditary neoplastic syndrome; Hereditary Cancer Syndrome; Neoplastic Syndromes, Hereditary. Identifiers: Orphanet 140162, MedGen C0027672, MeSH D009386, MONDO:0015356.
Neuroblastoma, susceptibility to, 3. Also called: ALK-Related Neuroblastic Tumor Susceptibility. Identifiers: Orphanet 635, MedGen C2751681, MONDO:0013083, OMIM 613014.

gnomAD v4.1: 1 of 1,614,232 alleles (0.000062%); highest among the groups gnomAD compares: Non-Finnish European, 0.000085%; no homozygotes.

Submissions (2):

Labcorp Genetics (formerly Invitae), Labcorp
Classification: Uncertain significance for Neuroblastoma, susceptibility to, 3. Last evaluated: 2024-05-06. Review status: criteria provided, single submitter. Criteria: Invitae Variant Classification Sherloc (09022015). Collection method: clinical testing. Allele origin: germline.
Comment: This sequence change replaces histidine, which is basic and polar, with tyrosine, which is neutral and polar, at codon 1490 of the ALK protein (p.His1490Tyr). This variant is not present in population databases (gnomAD no frequency). This variant has not been reported in the literature in individuals affected with ALK-related conditions. ClinVar contains an entry for this variant (Variation ID: 1450773). An algorithm developed to predict the effect of missense changes on protein structure and function (PolyPhen-2) suggests that this variant is likely to be tolerated. In summary, the available evidence is currently insufficient to determine the role of this variant in disease. Therefore, it has been classified as a Variant of Uncertain Significance.

Ambry Genetics
Classification: Uncertain significance for Hereditary cancer-predisposing syndrome. Last evaluated: 2022-08-16. Review status: criteria provided, single submitter. Criteria: Ambry Variant Classification Scheme 2023. Collection method: clinical testing. Allele origin: germline.
Comment: The p.H1490Y variant (also known as c.4468C>T), located in coding exon 29 of the ALK gene, results from a C to T substitution at nucleotide position 4468. The histidine at codon 1490 is replaced by tyrosine, an amino acid with similar properties. This amino acid position is conserved. In addition, this alteration is predicted to be tolerated by in silico analysis. Since supporting evidence is limited at this time, the clinical significance of this alteration remains unclear.

NM_004304.5(ALK):c.4468C>T (p.His1490Tyr)

Gene: ALK (ALK receptor tyrosine kinase; minus strand). Cytogenetic location: 2p23.2.
Variant type: single nucleotide variant.
Coding change: c.4468C>T on transcript NM_004304.5 (MANE Select); coding-DNA position 4468, C replaced by T.
Protein change: p.His1490Tyr; replaces histidine 1490 with tyrosine.
Molecular consequence: missense variant.
Genome position (GRCh38, 1-based): chr2:29,193,619, G>A on the plus strand (C>T on the coding strand, the complement: ALK is on the minus strand). VCF-style: chr2-29193619-G-A. GRCh37 (hg19) VCF-style: chr2-29416485-G-A.
Other names: c.1264C>T, p.His422Tyr (NM_001353765.2); short protein forms H422Y, H1490Y.
Identifiers: ClinVar variation 1450773 (VCV001450773.10), dbSNP rs2148138215, ClinGen allele CA346461989.
Genomic context (GRCh38, chr2:29,193,619, plus strand): 5'-AGGAGCCGTACGTTGGGTTCCACAAGCTGGTGGGCTTGTTTCTGGATCCGTGGACCTTGT[G>A]CAACTCCGAAGGAGGGTTGGACTGAGAGAATGCCATATTCACGTGTCCCCCTTCCACGGC-3'
Protein context (NP_004295.2, residues 1480-1500): FSQSNPPSEL[His1490Tyr]KVHGSRNKPT